The following is an entry in ClinVar:

NM_004446.3(EPRS1):c.1495-10T>A

Gene: EPRS1 (glutamyl-prolyl-tRNA synthetase 1; minus strand). Cytogenetic location: 1q41.
Variant type: single nucleotide variant.
Coding change: c.1495-10T>A on transcript NM_004446.3 (MANE Select); 10 bases into the intron before coding-DNA position 1495, T replaced by A.
Molecular consequence: intron variant.
Genome position (GRCh38, 1-based): chr1:220,011,066, A>T on the plus strand (T>A on the coding strand, the complement: EPRS1 is on the minus strand). VCF-style: chr1-220011066-A-T. GRCh37 (hg19) VCF-style: chr1-220184408-A-T.
Other names: c.1495-10T>A (NM_004446.2).
Identifiers: ClinVar variation 2170639 (VCV002170639.5), dbSNP rs148082656, ClinGen allele CA1400253.

ClinVar aggregate classification (germline): Benign. Review status: criteria provided, single submitter (1 of 4 stars). 2 submissions from 2 submitters: Benign (1). 1 of the submissions does not count toward it. Last evaluated 2025-12-18.

Conditions:
EPRS1-related disorder. Also called: EPRS1-related condition.

Allele frequency attached by ClinVar (database versions not stated): 1000 Genomes Project 30x 0.00062; 1000 Genomes Project 0.00080; ESP Exome Variant Server 0.00085.
gnomAD v4.1: 198 of 1,455,758 alleles (0.014%); highest among the groups gnomAD compares: African/African-American, 0.25%; no homozygotes.

Submissions (2):

Labcorp Genetics (formerly Invitae), Labcorp
Classification: Benign. Last evaluated: 2025-12-18. Review status: criteria provided, single submitter. Criteria: Invitae Variant Classification Sherloc (09022015). Collection method: clinical testing. Allele origin: germline.

PreventionGenetics, part of Exact Sciences
Classification: Likely benign for EPRS1-related condition. Last evaluated: 2024-05-13. Review status: no assertion criteria provided. Collection method: clinical testing. Allele origin: germline. Not counted in ClinVar's aggregate classification.
Comment: This variant is classified as likely benign based on ACMG/AMP sequence variant interpretation guidelines (Richards et al. 2015 PMID: 25741868, with internal and published modifications).